The following is an entry in ClinVar:

ClinVar aggregate classification (germline): Uncertain significance. Review status: criteria provided, multiple submitters, no conflicts (2 of 4 stars). 2 submissions from 2 submitters: Uncertain significance (2). Last evaluated 2025-09-01.

Conditions:
RYR1-related disorder. Also called: RYR1-related condition; RYR1-related disorders. Identifiers: MedGen CN239331.

Allele frequency attached by ClinVar (database versions not stated): gnomAD 0.00001; gnomAD exomes 0.00001.
gnomAD v4.1: 6 of 1,548,712 alleles (0.00039%); no homozygotes.

Submissions (2):

CeGaT Center for Human Genetics Tuebingen
Classification: Uncertain significance. Last evaluated: 2025-09-01. Review status: criteria provided, single submitter. Criteria: CeGaT Center For Human Genetics Tuebingen Variant Classification Criteria Version 2. Collection method: clinical testing. Allele origin: germline. Affected: yes. Observed: 1 variant allele.

Labcorp Genetics (formerly Invitae), Labcorp
Classification: Uncertain significance for RYR1-related disorder. Last evaluated: 2023-02-10. Review status: criteria provided, single submitter. Criteria: Invitae Variant Classification Sherloc (09022015). Collection method: clinical testing. Allele origin: germline.
Comment: In summary, the available evidence is currently insufficient to determine the role of this variant in disease. Therefore, it has been classified as a Variant of Uncertain Significance. Advanced modeling of protein sequence and biophysical properties (such as structural, functional, and spatial information, amino acid conservation, physicochemical variation, residue mobility, and thermodynamic stability) performed at Invitae indicates that this missense variant is not expected to disrupt RYR1 protein function. This variant has not been reported in the literature in individuals affected with RYR1-related conditions. This variant is present in population databases (no rsID available, gnomAD 0.01%). This sequence change replaces glutamic acid, which is acidic and polar, with glycine, which is neutral and non-polar, at codon 1366 of the RYR1 protein (p.Glu1366Gly).

NM_000540.3(RYR1):c.4097A>G (p.Glu1366Gly)

Gene: RYR1 (ryanodine receptor 1; plus strand). Cytogenetic location: 19q13.2.
Variant type: single nucleotide variant.
Coding change: c.4097A>G on transcript NM_000540.3 (MANE Select); coding-DNA position 4097, A replaced by G.
Protein change: p.Glu1366Gly; replaces glutamic acid 1366 with glycine.
Molecular consequence: missense variant.
Genome position (GRCh38, 1-based): chr19:38,473,708, A>G. VCF-style: chr19-38473708-A-G. GRCh37 (hg19) VCF-style: chr19-38964348-A-G.
Other names: c.4097A>G, p.Glu1366Gly (NM_001042723.2); short protein forms E1366G.
Identifiers: ClinVar variation 3019246 (VCV003019246.10), dbSNP rs1369776203, ClinGen allele CA405643067.
Genomic context (GRCh38, chr19:38,473,708, plus strand): 5'-ACGGCAAAGAAGGGACTGCGAAGGAGGGCGCCCCCGGGGGCACCCCGCAGGCGGGGGGAG[A>G]GGCGCAGCCCGCCAGGGCGGAGAATGAGAAGGATGCCACCACCGAGAAGAACAAGAAGAG-3'
Protein context (NP_000531.2, residues 1356-1376): APGGTPQAGG[Glu1366Gly]AQPARAENEK